The following is an entry in ClinVar:

NM_013246.3(CLCF1):c.142C>T (p.Arg48Cys)

Genes: CLCF1 (cardiotrophin like cytokine factor 1; minus strand), LOC100130987 (uncharacterized LOC100130987; plus strand). Cytogenetic location: 11q13.2.
Variant type: single nucleotide variant.
Coding change: c.142C>T on transcript NM_013246.3 (MANE Select); coding-DNA position 142, C replaced by T.
Protein change: p.Arg48Cys; replaces arginine 48 with cysteine.
Molecular consequence: missense variant.
Genome position (GRCh38, 1-based): chr11:67,367,501, G>A on the plus strand (C>T on the coding strand, the complement: CLCF1 is on the minus strand). VCF-style: chr11-67367501-G-A. GRCh37 (hg19) VCF-style: chr11-67134972-G-A.
Other names: p.Arg48Cys; c.112C>T, p.Arg38Cys (NM_001166212.2); short protein forms R48C, R38C.
Identifiers: ClinVar variation 4541642 (VCV004541642.1).

ClinVar aggregate classification (germline): Uncertain significance (1 of 4 stars; one submission).

gnomAD v4.1: 13 of 1,614,108 alleles (0.00081%); highest among the groups gnomAD compares: South Asian, 0.0022%; no homozygotes.

Submission:

Mayo Clinic Laboratories, Mayo Clinic
Classification: Uncertain significance. Last evaluated: 2025-02-26. Review status: criteria provided, single submitter. Criteria: ACMG Guidelines, 2015. Collection method: clinical testing. Allele origin: germline. Observed: 1 variant allele.
Comment: BP4